The following is an entry in ClinVar:

NM_000455.5(STK11):c.863-15C>T

Gene: STK11 (serine/threonine kinase 11; plus strand). Cytogenetic location: 19p13.3.
Variant type: single nucleotide variant.
Coding change: c.863-15C>T on transcript NM_000455.5 (MANE Select); 15 bases into the intron before coding-DNA position 863, C replaced by T.
Molecular consequence: intron variant.
Genome position (GRCh38, 1-based): chr19:1,221,934, C>T. VCF-style: chr19-1221934-C-T. GRCh37 (hg19) VCF-style: chr19-1221933-C-T.
Identifiers: ClinVar variation 1964663 (VCV001964663.7), dbSNP rs2145428549, ClinGen allele CA2580096121.
Genomic context (GRCh38, chr19:1,221,934, plus strand): 5'-CTGGGCAGGCGGGGACGGTTGGTGGGGTCTCAGGCCTGTGCCCAGCTGACAGGCTCCTCG[C>T]CGGCTTCTCCTCAGGGATGCTTGAGTACGAACCGGCCAAGAGGTTCTCCATCCGGCAGAT-3'

ClinVar aggregate classification (germline): Likely benign. Review status: criteria provided, multiple submitters, no conflicts (2 of 4 stars). 3 submissions from 3 submitters: Likely benign (3). Last evaluated 2025-03-27.

Conditions:
Familial ovarian cancer. Identifiers: MedGen C5679802, MONDO:0016248.
Peutz-Jeghers syndrome (PJS). Also called: POLYPOSIS, HAMARTOMATOUS INTESTINAL; POLYPS-AND-SPOTS SYNDROME; Peutz-Jeghers polyposis; Periorificial lentiginosis syndrome. Identifiers: Orphanet 2869, MedGen C0031269, MeSH D010580, MONDO:0008280, OMIM 175200.

Submissions (3):

Myriad Genetics, Inc.
Classification: Likely benign for Peutz-Jeghers syndrome. Last evaluated: 2025-03-27. Review status: criteria provided, single submitter. Criteria: Myriad Autosomal Dominant, Autosomal Recessive and X-Linked Classification Criteria (2023). Collection method: clinical testing. Allele origin: unknown.
Comment: This variant is considered likely benign. This variant is intronic and is not expected to impact mRNA splicing.

Department of Pathology and Laboratory Medicine, Sinai Health System
Classification: Likely benign for familial ovarian cancer. Last evaluated: 2024-07-17. Review status: criteria provided, single submitter. Criteria: ACMG Guidelines, 2015. Collection method: clinical testing. Allele origin: germline.

Labcorp Genetics (formerly Invitae), Labcorp
Classification: Likely benign for Peutz-Jeghers syndrome. Last evaluated: 2022-09-19. Review status: criteria provided, single submitter. Criteria: Invitae Variant Classification Sherloc (09022015). Collection method: clinical testing. Allele origin: germline.